The following is an entry in ClinVar:

NM_001042492.3(NF1):c.1185G>C (p.Lys395Asn)

Gene: NF1 (neurofibromin 1; plus strand). Cytogenetic location: 17q11.2.
Variant type: single nucleotide variant.
Coding change: c.1185G>C on transcript NM_001042492.3 (MANE Select); coding-DNA position 1185, G replaced by C.
Protein change: p.Lys395Asn; replaces lysine 395 with asparagine.
Molecular consequence: missense variant.
Genome position (GRCh38, 1-based): chr17:31,201,159, G>C. VCF-style: chr17-31201159-G-C. GRCh37 (hg19) VCF-style: chr17-29528177-G-C.
Other names: c.1185G>C, p.Lys395Asn (NM_000267.4, NM_001128147.3); short protein forms K395N.
Identifiers: ClinVar variation 4710341 (VCV004710341.2).

ClinVar aggregate classification (germline): Pathogenic. Review status: criteria provided, multiple submitters, no conflicts (2 of 4 stars). 2 submissions from 2 submitters: Pathogenic (2). Last evaluated 2025-05-13.

Conditions:
Neurofibromatosis, type 1 (NF1). Also called: VON RECKLINGHAUSEN DISEASE; NEUROFIBROMATOSIS, TYPE I, SOMATIC; Peripheral type neurofibromatosis; Neurofibromatosis, type I. Identifiers: Orphanet 636, MedGen C0027831, MONDO:0018975, OMIM 162200. Disease mechanism: loss of function.

Submissions (2):

Variantyx, Inc.
Classification: Pathogenic for Neurofibromatosis, type 1. Last evaluated: 2025-05-13. Review status: criteria provided, single submitter. Criteria: Variantyx Assertion Criteria 2022. Collection method: clinical testing. Allele origin: de novo. Inheritance: Autosomal dominant inheritance. Affected: yes.
Comment: This is a nonsynonymous variant in the NF1 gene (OMIM: 613113). Pathogenic variants in this gene have been associated with autosomal dominant neurofibromatosis type 1. An alternate nucleotide substitution resulting in the same amino acid change (c.1185G>T) has been previously reported as pathogenic (PMID: 31370276) (PS1), and multiple computational algorithms predict a deleterious effect for this variant (REVEL score: 0.677) (PP3). This variant is absent from control populations (PM2), and it has not been reported in individuals with NF1-related disorders in the databases available for review. Based on the current evidence, this variant is classified as pathogenic for autosomal dominant neurofibromatosis type 1.

Labcorp Genetics (formerly Invitae), Labcorp
Classification: Pathogenic for Neurofibromatosis, type 1. Last evaluated: 2025-04-20. Review status: criteria provided, single submitter. Criteria: Invitae Variant Classification Sherloc (09022015). Collection method: clinical testing. Allele origin: germline.
Comment: This sequence change replaces lysine, which is basic and polar, with asparagine, which is neutral and polar, at codon 395 of the NF1 protein (p.Lys395Asn). This variant also falls at the last nucleotide of exon 10, which is part of the consensus splice site for this exon. This variant is not present in population databases (gnomAD no frequency). This missense change has been observed in individual(s) with type 1 neurofibromatosis (internal data). An algorithm developed to predict the effect of missense changes on protein structure and function (PolyPhen-2) suggests that this variant is likely to be disruptive. Variants that disrupt the consensus splice site are a relatively common cause of aberrant splicing (PMID: 17576681, 9536098). Studies have shown that this missense change is associated with altered splicing resulting in unknown protein product impact (PMID: 31370276). This variant disrupts the c.1185G nucleotide in the NF1 gene. Other variant(s) that disrupt this nucleotide have been determined to be pathogenic (PMID: 22034633, 24789688; internal data). This suggests that this nucleotide is clinically significant, and that variants that disrupt this position are likely to be disease-causing. For these reasons, this variant has been classified as Pathogenic.

Literature cited by the submitters: PubMed 31370276 (cited by Variantyx, Inc. and Labcorp Genetics (formerly Invitae), Labcorp); PubMed 17576681 (cited by Labcorp Genetics (formerly Invitae), Labcorp); PubMed 9536098 (cited by Labcorp Genetics (formerly Invitae), Labcorp); PubMed 22034633 (cited by Labcorp Genetics (formerly Invitae), Labcorp); PubMed 24789688 (cited by Labcorp Genetics (formerly Invitae), Labcorp).